The following is an entry in ClinVar:

NM_000276.4(OCRL):c.1571A>G (p.His524Arg)

Gene: OCRL (OCRL inositol polyphosphate-5-phosphatase; plus strand). Cytogenetic location: Xq26.1.
Variant type: single nucleotide variant.
Coding change: c.1571A>G on transcript NM_000276.4 (MANE Select); coding-DNA position 1571, A replaced by G.
Protein change: p.His524Arg; replaces histidine 524 with arginine.
Molecular consequence: missense variant.
Genome position (GRCh38, 1-based): chrX:129,569,368, A>G. VCF-style: chrX-129569368-A-G. GRCh37 (hg19) VCF-style: chrX-128703345-A-G.
Other names: c.1574A>G, p.His525Arg (NM_001318784.2); c.1571A>G, p.His524Arg (NM_001587.4); short protein forms H524R, H525R.
Identifiers: ClinVar variation 68719 (VCV000068719.5), dbSNP rs137853852, ClinGen allele CA266161.

ClinVar aggregate classification (germline): Likely pathogenic. Review status: criteria provided, single submitter (1 of 4 stars). 2 submissions from 2 submitters: Likely pathogenic (1). 1 of the submissions does not count toward it. Last evaluated 2022-02-19.

Conditions:
Lowe syndrome (OCRL). Also called: PHOSPHATIDYLINOSITOL 4,5-BISPHOSPHATE 5-PHOSPHATASE DEFICIENCY; Oculocerebrorenal Syndrome; LOWE OCULOCEREBRORENAL SYNDROME. Identifiers: Orphanet 534, MedGen C0028860, MONDO:0010645, OMIM 309000.

Submissions (2):

Labcorp Genetics (formerly Invitae), Labcorp
Classification: Likely pathogenic for Lowe syndrome. Last evaluated: 2022-02-19. Review status: criteria provided, single submitter. Criteria: Invitae Variant Classification Sherloc (09022015). Collection method: clinical testing. Allele origin: germline.
Comment: This sequence change replaces histidine, which is basic and polar, with arginine, which is basic and polar, at codon 524 of the OCRL protein (p.His524Arg). This variant is not present in population databases (gnomAD no frequency). In summary, the currently available evidence indicates that the variant is pathogenic, but additional data are needed to prove that conclusively. Therefore, this variant has been classified as Likely Pathogenic. This variant disrupts the p.His524 amino acid residue in OCRL. Other variant(s) that disrupt this residue have been observed in individuals with OCRL-related conditions (PMID: 9199559, 9632163), which suggests that this may be a clinically significant amino acid residue. Advanced modeling of protein sequence and biophysical properties (such as structural, functional, and spatial information, amino acid conservation, physicochemical variation, residue mobility, and thermodynamic stability) performed at Invitae indicates that this missense variant is expected to disrupt OCRL protein function. ClinVar contains an entry for this variant (Variation ID: 68719). This variant is also known as c.1736A>G or 1748A>G (H507R) . This missense change has been observed in individual(s) with Lowe syndrome (PMID: 9199559, 21225285).

UniProtKB/Swiss-Prot
No classification provided. Condition: Lowe syndrome. Review status: no classification provided. Collection method: not provided. Allele origin: germline. Not counted in ClinVar's aggregate classification.

Literature cited by the submitters: PubMed 9199559 (cited by Labcorp Genetics (formerly Invitae), Labcorp); PubMed 9632163 (cited by Labcorp Genetics (formerly Invitae), Labcorp); PubMed 21225285 (cited by Labcorp Genetics (formerly Invitae), Labcorp).